The following is an entry in ClinVar:

NM_003238.6(TGFB2):c.*3196C>T

Gene: TGFB2 (transforming growth factor beta 2; plus strand). Cytogenetic location: 1q41.
Variant type: single nucleotide variant.
Coding change: c.*3196C>T on transcript NM_003238.6 (MANE Select); 3196 bases downstream of the stop codon, C replaced by T.
Molecular consequence: 3 prime UTR variant. On other transcripts: non-coding transcript variant (2).
Genome position (GRCh38, 1-based): chr1:218,444,558, C>T. VCF-style: chr1-218444558-C-T. GRCh37 (hg19) VCF-style: chr1-218617900-C-T.
Other names: c.*3196C>T (NM_001135599.4).
Identifiers: ClinVar variation 295539 (VCV000295539.6), dbSNP rs6683598, ClinGen allele CA10609233.
Genomic context (GRCh38, chr1:218,444,558, plus strand): 5'-AACAAAAAAACCCACCCTATTTCCTCCAATTTTTTTGGCTGCTACCTACAAGACCAGACT[C>T]CTCAAACGAGTTGCCAATCTCTTAATAAATAGGATTAATAAAAAAAGTAATTGTGACTCA-3'

ClinVar aggregate classification (germline): Benign. Review status: criteria provided, multiple submitters, no conflicts (2 of 4 stars). 2 submissions from 2 submitters: Benign (2). Last evaluated 2017-04-27.

Conditions:
Loeys-Dietz syndrome 4 (LDS4). Also called: ANEURYSM, AORTIC AND CEREBRAL, WITH ARTERIAL TORTUOSITY AND SKELETAL MANIFESTATIONS; TGFB2-Related Loeys-Dietz Syndrome. Identifiers: MedGen C3553762, MONDO:0013897, OMIM 614816.

Allele frequency attached by ClinVar (database versions not stated): gnomAD 0.34937 and 0.35411; TOPMed 0.36935; 1000 Genomes Project 30x 0.43488; 1000 Genomes Project 0.44389.

Submissions (2):

Illumina Laboratory Services, Illumina
Classification: Benign for Loeys-Dietz syndrome 4. Last evaluated: 2017-04-27. Review status: criteria provided, single submitter. Criteria: ICSL Variant Classification Criteria 13 December 2019. Collection method: clinical testing. Allele origin: germline.
Comment: This variant was observed as part of a predisposition screen in an ostensibly healthy population. A literature search was performed for the gene, cDNA change, and amino acid change (where applicable). No publications were found based on this search. Allele frequency data from public databases was too high to be consistent with this variant causing disease. Therefore, this variant is classified as benign.

Breakthrough Genomics
Classification: Benign. Review status: criteria provided, single submitter. Criteria: ACMG Guidelines, 2015. Collection method: not provided. Allele origin: germline. Inheritance: Autosomal dominant inheritance. Affected: yes.